The following is an entry in ClinVar:

ClinVar aggregate classification (germline): Conflicting classifications of pathogenicity. Review status: criteria provided, conflicting classifications (1 of 4 stars). 4 submissions from 4 submitters: Uncertain significance (2); Likely benign (2). Last evaluated 2026-07-05.

Conditions:
Inborn genetic diseases. Identifiers: MedGen C0950123, MeSH D030342.
PLOD3-related disorder. Also called: PLOD3-related condition.

Allele frequency attached by ClinVar (database versions not stated): ExAC 0.00030; ESP Exome Variant Server 0.00031; gnomAD 0.00033 and 0.00034; gnomAD exomes 0.00042 and 0.00028; TOPMed 0.00021.
gnomAD v4.1: 653 of 1,611,798 alleles (0.041%); highest among the groups gnomAD compares: Middle Eastern, 0.066%; no homozygotes.

Submissions (4):

PreventionGenetics, part of Exact Sciences
Classification: Likely benign for PLOD3-related condition. Last evaluated: 2026-07-05. Review status: criteria provided, single submitter. Criteria: ACMG Guidelines, 2015. Collection method: clinical testing. Allele origin: germline.
Comment: This variant is classified as likely benign based on ACMG/AMP sequence variant interpretation guidelines (Richards et al. 2015 PMID: 25741868, with internal and published modifications).

CeGaT Center for Human Genetics Tuebingen
Classification: Likely benign. Last evaluated: 2023-12-01. Review status: criteria provided, single submitter. Criteria: CeGaT Center For Human Genetics Tuebingen Variant Classification Criteria Version 2. Collection method: clinical testing. Allele origin: germline. Affected: yes. Observed: 1 variant allele.
Comment: PLOD3: BP4, BP7

Ambry Genetics
Classification: Uncertain significance for Inborn genetic diseases. Last evaluated: 2023-11-01. Review status: criteria provided, single submitter. Criteria: Ambry Variant Classification Scheme 2023. Collection method: clinical testing. Allele origin: germline.
Comment: Occurs in the last base pair of the exon Based on insufficient or conflicting evidence, the clinical significance of this alteration remains unclear.

Labcorp Genetics (formerly Invitae), Labcorp
Classification: Uncertain significance. Last evaluated: 2022-09-01. Review status: criteria provided, single submitter. Criteria: Invitae Variant Classification Sherloc (09022015). Collection method: clinical testing. Allele origin: germline.
Comment: This sequence change affects codon 538 of the PLOD3 mRNA. It is a 'silent' change, meaning that it does not change the encoded amino acid sequence of the PLOD3 protein. It affects a nucleotide within the consensus splice site. This variant is present in population databases (rs148949172, gnomAD 0.07%). This variant has not been reported in the literature in individuals affected with PLOD3-related conditions. ClinVar contains an entry for this variant (Variation ID: 1510929). Algorithms developed to predict the effect of sequence changes on RNA splicing suggest that this variant is not likely to affect RNA splicing. In summary, the available evidence is currently insufficient to determine the role of this variant in disease. Therefore, it has been classified as a Variant of Uncertain Significance.

NM_001084.5(PLOD3):c.1614C>T (p.Val538=)

Gene: PLOD3 (procollagen-lysine,2-oxoglutarate 5-dioxygenase 3; minus strand). Cytogenetic location: 7q22.1.
Variant type: single nucleotide variant.
Coding change: c.1614C>T on transcript NM_001084.5 (MANE Select); coding-DNA position 1614, C replaced by T.
Protein change: p.Val538=; no amino-acid change (valine 538 retained).
Molecular consequence: synonymous variant.
Genome position (GRCh38, 1-based): chr7:101,210,331, G>A on the plus strand (C>T on the coding strand, the complement: PLOD3 is on the minus strand). VCF-style: chr7-101210331-G-A. GRCh37 (hg19) VCF-style: chr7-100853612-G-A.
Other names: c.1614C>T (NM_001084.4).
Identifiers: ClinVar variation 1510929 (VCV001510929.27), dbSNP rs148949172, ClinGen allele CA4407616.